The following is an entry in ClinVar:

NM_001042492.3(NF1):c.752A>C (p.Asp251Ala)

Gene: NF1 (neurofibromin 1; plus strand). Cytogenetic location: 17q11.2.
Variant type: single nucleotide variant.
Coding change: c.752A>C on transcript NM_001042492.3 (MANE Select); coding-DNA position 752, A replaced by C.
Protein change: p.Asp251Ala; replaces aspartic acid 251 with alanine.
Molecular consequence: missense variant.
Genome position (GRCh38, 1-based): chr17:31,182,529, A>C. VCF-style: chr17-31182529-A-C. GRCh37 (hg19) VCF-style: chr17-29509547-A-C.
Other names: c.752A>C, p.Asp251Ala (NM_000267.4, NM_001128147.3); short protein forms D251A.
Identifiers: ClinVar variation 4800707 (VCV004800707.1).

ClinVar aggregate classification (germline): Uncertain significance (1 of 4 stars; one submission).

Conditions:
Neurofibromatosis, type 1 (NF1). Also called: VON RECKLINGHAUSEN DISEASE; Neurofibromatosis, type I; NEUROFIBROMATOSIS, TYPE I, SOMATIC; Peripheral type neurofibromatosis. Identifiers: Orphanet 636, MedGen C0027831, MONDO:0018975, OMIM 162200. Disease mechanism: loss of function.

Submission:

Labcorp Genetics (formerly Invitae), Labcorp
Classification: Uncertain significance for Neurofibromatosis, type 1. Last evaluated: 2025-07-22. Review status: criteria provided, single submitter. Criteria: Invitae Variant Classification Sherloc (09022015). Collection method: clinical testing. Allele origin: germline.
Comment: This sequence change replaces aspartic acid, which is acidic and polar, with alanine, which is neutral and non-polar, at codon 251 of the NF1 protein (p.Asp251Ala). This variant is not present in population databases (gnomAD no frequency). This variant has not been reported in the literature in individuals affected with NF1-related conditions. Invitae Evidence Modeling of protein sequence and biophysical properties (such as structural, functional, and spatial information, amino acid conservation, physicochemical variation, residue mobility, and thermodynamic stability) indicates that this missense variant is expected to disrupt NF1 protein function with a positive predictive value of 95%. In summary, the available evidence is currently insufficient to determine the role of this variant in disease. Therefore, it has been classified as a Variant of Uncertain Significance.